The following is an entry in ClinVar:

NM_020774.4(MIB1):c.1858C>T (p.Pro620Ser)

Gene: MIB1 (MIB E3 ubiquitin protein ligase 1; plus strand). Cytogenetic location: 18q11.2.
Variant type: single nucleotide variant.
Coding change: c.1858C>T on transcript NM_020774.4 (MANE Select); coding-DNA position 1858, C replaced by T.
Protein change: p.Pro620Ser; replaces proline 620 with serine.
Molecular consequence: missense variant.
Genome position (GRCh38, 1-based): chr18:21,838,393, C>T. VCF-style: chr18-21838393-C-T. GRCh37 (hg19) VCF-style: chr18-19418354-C-T.
Other names: short protein forms P620S.
Identifiers: ClinVar variation 4107591 (VCV004107591.1).

ClinVar aggregate classification (germline): Uncertain significance (1 of 4 stars; one submission).

Conditions:
Inborn genetic diseases. Identifiers: MedGen C0950123, MeSH D030342.

Submission:

Ambry Genetics
Classification: Uncertain significance for Inborn genetic diseases. Last evaluated: 2025-07-21. Review status: criteria provided, single submitter. Criteria: Ambry Variant Classification Scheme 2023. Collection method: clinical testing. Allele origin: germline.
Comment: The p.P620S variant (also known as c.1858C>T), located in coding exon 13 of the MIB1 gene, results from a C to T substitution at nucleotide position 1858. The proline at codon 620 is replaced by serine, an amino acid with similar properties. This amino acid position is conserved. In addition, this alteration is predicted to be tolerated by in silico analysis. Based on the available evidence, the clinical significance of this variant remains unclear.